The following is an entry in ClinVar:

ClinVar aggregate classification (germline): Likely pathogenic (1 of 4 stars; one submission).

Conditions:
Monogenic hearing loss.

Submission:

Genetics Laboratory, Great Ormond Street Hospital NHS Foundation Trust, North Thames Genomic Laboratory Hub
Classification: Likely pathogenic for Monogenic hearing loss. Last evaluated: 2026-06-03. Review status: criteria provided, single submitter. Criteria: ACGS Best Practice Guidelines for Variant Classification in Rare Disease 2024 v1.2. Collection method: clinical testing. Allele origin: germline. Affected: yes.
Comment: PM2_moderate, PVS1_strong

NM_139125.4(MASP1):c.1612C>T (p.Arg538Ter)

Gene: MASP1 (MBL associated serine protease 1; minus strand). Cytogenetic location: 3q27.3.
Variant type: single nucleotide variant.
Coding change: c.1612C>T on transcript NM_139125.4 (MANE Select); coding-DNA position 1612, C replaced by T.
Protein change: p.Arg538Ter; replaces arginine 538 with a stop codon.
Molecular consequence: nonsense. On other transcripts: non-coding transcript variant (1), intron variant (1).
Genome position (GRCh38, 1-based): chr3:187,236,259, G>A on the plus strand (C>T on the coding strand, the complement: MASP1 is on the minus strand). VCF-style: chr3-187236259-G-A. GRCh37 (hg19) VCF-style: chr3-186954047-G-A.
Other names: c.1303+5222C>T (NM_001879.6); short protein forms R538*.
Identifiers: ClinVar variation 4879885 (VCV004879885.1).